The following is an entry in ClinVar:

ClinVar aggregate classification (germline): Benign/Likely benign. Review status: criteria provided, multiple submitters, no conflicts (2 of 4 stars). 3 submissions from 3 submitters: Benign (1); Likely benign (2). Last evaluated 2024-10-22.

Conditions:
Hereditary cancer-predisposing syndrome. Also called: Neoplastic Syndromes, Hereditary; Hereditary neoplastic syndrome; Hereditary Cancer Syndrome; Tumor predisposition. Identifiers: Orphanet 140162, MedGen C0027672, MeSH D009386, MONDO:0015356.
Birt-Hogg-Dube syndrome 1 (BHD1). Also called: FIBROFOLLICULOMAS WITH TRICHODISCOMAS AND ACROCHORDONS. Identifiers: Orphanet 122, MedGen CN375946, MONDO:0800445, OMIM 135150.
Birt-Hogg-Dube syndrome. Also called: Birt Hogg Dubé syndrome. Identifiers: Orphanet 122, MedGen C0346010, MONDO:0800444.

Allele frequency attached by ClinVar (database versions not stated): TOPMed below 0.00001; gnomAD exomes 0.00001.
gnomAD v4.1: 8 of 1,614,180 alleles (0.0005%); highest among the groups gnomAD compares: East Asian, 0.0022%; no homozygotes.

Submissions (3):

Myriad Genetics, Inc.
Classification: Benign for Birt-Hogg-Dube syndrome 1. Last evaluated: 2024-10-22. Review status: criteria provided, single submitter. Criteria: Myriad Autosomal Dominant, Autosomal Recessive and X-Linked Classification Criteria (2023). Collection method: clinical testing. Allele origin: unknown.
Comment: This variant is considered benign. This variant is a silent/synonymous amino acid change and it is not expected to impact splicing.

Labcorp Genetics (formerly Invitae), Labcorp
Classification: Likely benign for Birt-Hogg-Dube syndrome. Last evaluated: 2022-11-03. Review status: criteria provided, single submitter. Criteria: Invitae Variant Classification Sherloc (09022015). Collection method: clinical testing. Allele origin: germline.

Ambry Genetics
Classification: Likely benign for Hereditary cancer-predisposing syndrome. Last evaluated: 2022-04-09. Review status: criteria provided, single submitter. Criteria: Ambry Variant Classification Scheme 2023. Collection method: clinical testing. Allele origin: germline.

NM_144997.7(FLCN):c.321C>T (p.Val107=)

Gene: FLCN (folliculin; minus strand). Cytogenetic location: 17p11.2.
Variant type: single nucleotide variant.
Coding change: c.321C>T on transcript NM_144997.7 (MANE Select); coding-DNA position 321, C replaced by T.
Protein change: p.Val107=; no amino-acid change (valine 107 retained).
Molecular consequence: synonymous variant.
Genome position (GRCh38, 1-based): chr17:17,226,251, G>A on the plus strand (C>T on the coding strand, the complement: FLCN is on the minus strand). VCF-style: chr17-17226251-G-A. GRCh37 (hg19) VCF-style: chr17-17129565-G-A.
Other names: c.321C>T, p.Val107= (NM_001353229.2, NM_001353230.2, NM_001353231.2 and 1 more transcripts).
Identifiers: ClinVar variation 1586233 (VCV001586233.11), dbSNP rs1383654925, ClinGen allele CA498167689.